The following is an entry in ClinVar:

NM_007375.4(TARDBP):c.263C>G (p.Thr88Arg)

Gene: TARDBP (TAR DNA binding protein; plus strand). Cytogenetic location: 1p36.22.
Variant type: single nucleotide variant.
Coding change: c.263C>G on transcript NM_007375.4 (MANE Select); coding-DNA position 263, C replaced by G.
Protein change: p.Thr88Arg; replaces threonine 88 with arginine.
Molecular consequence: missense variant.
Genome position (GRCh38, 1-based): chr1:11,016,868, C>G. VCF-style: chr1-11016868-C-G. GRCh37 (hg19) VCF-style: chr1-11076925-C-G.
Other names: short protein forms T88R.
Identifiers: ClinVar variation 1794169 (VCV001794169.2), dbSNP rs1553159049, ClinGen allele CA338359098.

ClinVar aggregate classification (germline): Uncertain significance (1 of 4 stars; one submission).

Conditions:
Inborn genetic diseases. Identifiers: MedGen C0950123, MeSH D030342.

Submission:

Ambry Genetics
Classification: Uncertain significance for Inborn genetic diseases. Last evaluated: 2021-05-21. Review status: criteria provided, single submitter. Criteria: Ambry Variant Classification Scheme 2023. Collection method: clinical testing. Allele origin: germline.
Comment: The p.T88R variant (also known as c.263C>G), located in coding exon 2 of the TARDBP gene, results from a C to G substitution at nucleotide position 263. The threonine at codon 88 is replaced by arginine, an amino acid with similar properties. This amino acid position is not well conserved in available vertebrate species. In addition, the in silico prediction for this alteration is inconclusive. Since supporting evidence is limited at this time, the clinical significance of this alteration remains unclear.